The following is an entry in ClinVar:

ClinVar aggregate classification (germline): Uncertain significance (1 of 4 stars; one submission).

Conditions:
Short-rib thoracic dysplasia 14 with polydactyly (SRTD14). Identifiers: Orphanet 397715, MedGen C4225286, MONDO:0014688, OMIM 616546.
Joubert syndrome 23 (JBTS23). Identifiers: Orphanet 475, MedGen C4084822, MONDO:0014664, OMIM 616490.

gnomAD v4.1: 20 of 1,550,316 alleles (0.0013%); highest among the groups gnomAD compares: Non-Finnish European, 0.0017%; no homozygotes.

Submission:

Labcorp Genetics (formerly Invitae), Labcorp
Classification: Uncertain significance for Joubert syndrome 23; Short-rib thoracic dysplasia 14 with polydactyly. Last evaluated: 2025-12-17. Review status: criteria provided, single submitter. Criteria: Invitae Variant Classification Sherloc (09022015). Collection method: clinical testing. Allele origin: germline.
Comment: This sequence change replaces phenylalanine, which is neutral and non-polar, with tyrosine, which is neutral and polar, at codon 1357 of the KIAA0586 protein (p.Phe1357Tyr). This variant is present in population databases (no rsID available, gnomAD 0.009%). This variant has not been reported in the literature in individuals affected with KIAA0586-related conditions. Invitae Evidence Modeling of protein sequence and biophysical properties (such as structural, functional, and spatial information, amino acid conservation, physicochemical variation, residue mobility, and thermodynamic stability) indicates that this missense variant is not expected to disrupt KIAA0586 protein function with a negative predictive value of 80%. In summary, the available evidence is currently insufficient to determine the role of this variant in disease. Therefore, it has been classified as a Variant of Uncertain Significance.

NM_001329943.3(KIAA0586):c.3911T>A (p.Phe1304Tyr)

Gene: KIAA0586 (KIAA0586; plus strand). Cytogenetic location: 14q23.1.
Variant type: single nucleotide variant.
Coding change: c.3911T>A on transcript NM_001329943.3 (MANE Select); coding-DNA position 3911, T replaced by A.
Protein change: p.Phe1304Tyr; replaces phenylalanine 1304 with tyrosine.
Molecular consequence: missense variant. On other transcripts: intron variant (1).
Genome position (GRCh38, 1-based): chr14:58,492,196, T>A. VCF-style: chr14-58492196-T-A. GRCh37 (hg19) VCF-style: chr14-58958914-T-A.
Other names: c.3779T>A, p.Phe1260Tyr (NM_001244192.2); c.3491T>A, p.Phe1164Tyr (NM_001244193.2); c.3911T>A, p.Phe1304Tyr (NM_001329944.2, NM_001329946.2); c.3656T>A, p.Phe1219Tyr (NM_001329945.2, NM_001364700.1, NM_001364701.2 and 1 more transcripts); c.3683T>A, p.Phe1228Tyr (NM_014749.5); c.3858+1956T>A (NM_001329947.2); c.4070T>A, p.Phe1357Tyr (NM_001244189.2); c.3866T>A, p.Phe1289Tyr (NM_001244190.2); short protein forms F1304Y, F1164Y, F1219Y, F1228Y, F1357Y, F1289Y, F1260Y.
Identifiers: ClinVar variation 4782476 (VCV004782476.1).
Genomic context (GRCh38, chr14:58,492,196, plus strand): 5'-TCTTTTAGGAGGATGATCCTCCTAGTGAAGGGCAAGTGATTAGGATGTCCCATAAAAAAT[T>A]TCATGCAGATGCAATTCTTTCTTTTGCTAAACAAAACCAGGAGTCAGCAGTTTCCCAGCA-3'
Protein context (NP_001316872.1, residues 1294-1314): GQVIRMSHKK[Phe1304Tyr]HADAILSFAK